The following is an entry in ClinVar:

NM_052947.4(ALPK2):c.2670T>A (p.Phe890Leu)

Gene: ALPK2 (alpha kinase 2; minus strand). Cytogenetic location: 18q21.31.
Variant type: single nucleotide variant.
Coding change: c.2670T>A on transcript NM_052947.4 (MANE Select); coding-DNA position 2670, T replaced by A.
Protein change: p.Phe890Leu; replaces phenylalanine 890 with leucine.
Molecular consequence: missense variant.
Genome position (GRCh38, 1-based): chr18:58,537,517, A>T on the plus strand (T>A on the coding strand, the complement: ALPK2 is on the minus strand). VCF-style: chr18-58537517-A-T. GRCh37 (hg19) VCF-style: chr18-56204749-A-T.
Other names: short protein forms F890L.
Identifiers: ClinVar variation 2564076 (VCV002564076.2), dbSNP rs2518877398, ClinGen allele CA402570030.

ClinVar aggregate classification (germline): Uncertain significance (1 of 4 stars; one submission).

Submission:

Ambry Genetics
Classification: Uncertain significance. Last evaluated: 2023-05-14. Review status: criteria provided, single submitter. Criteria: Ambry Variant Classification Scheme 2023. Collection method: clinical testing. Allele origin: germline.
Comment: The p.F890L variant (also known as c.2670T>A), located in coding exon 4 of the ALPK2 gene, results from a T to A substitution at nucleotide position 2670. The phenylalanine at codon 890 is replaced by leucine, an amino acid with highly similar properties. This amino acid position is conserved. In addition, this alteration is predicted to be tolerated by in silico analysis. Since supporting evidence is limited at this time, the clinical significance of this alteration remains unclear.